The following is an entry in ClinVar:

ClinVar aggregate classification (germline): Likely benign (0 of 4 stars; one submission).

Conditions:
SEC24D-related disorder. Also called: SEC24D-related condition.

Allele frequency attached by ClinVar (database versions not stated): ExAC 0.00001; gnomAD 0.00001; gnomAD exomes 0.00001; TOPMed 0.00002.
gnomAD v4.1: 17 of 1,613,906 alleles (0.0011%); highest among the groups gnomAD compares: East Asian, 0.0022%; no homozygotes.

Submission:

PreventionGenetics, part of Exact Sciences
Classification: Likely benign for SEC24D-related condition. Last evaluated: 2019-03-20. Review status: no assertion criteria provided. Collection method: clinical testing. Allele origin: germline.
Comment: This variant is classified as likely benign based on ACMG/AMP sequence variant interpretation guidelines (Richards et al. 2015 PMID: 25741868, with internal and published modifications).

NM_014822.4(SEC24D):c.3048T>C (p.Tyr1016=)

Gene: SEC24D (SEC24 homolog D, COPII coat complex component; minus strand). Cytogenetic location: 4q26.
Variant type: single nucleotide variant.
Coding change: c.3048T>C on transcript NM_014822.4 (MANE Select); coding-DNA position 3048, T replaced by C.
Protein change: p.Tyr1016=; no amino-acid change (tyrosine 1016 retained).
Molecular consequence: synonymous variant.
Genome position (GRCh38, 1-based): chr4:118,723,566, A>G on the plus strand (T>C on the coding strand, the complement: SEC24D is on the minus strand). VCF-style: chr4-118723566-A-G. GRCh37 (hg19) VCF-style: chr4-119644721-A-G.
Other names: c.3051T>C, p.Tyr1017= (NM_001318066.2).
Identifiers: ClinVar variation 3058562 (VCV003058562.2), dbSNP rs767084708, ClinGen allele CA3056787.